The following is an entry in ClinVar:

ClinVar aggregate classification (germline): Uncertain significance. Review status: criteria provided, multiple submitters, no conflicts (2 of 4 stars). 3 submissions from 3 submitters: Uncertain significance (3). Last evaluated 2025-11-27.

Allele frequency attached by ClinVar (database versions not stated): TOPMed 0.00001.
gnomAD v4.1: 12 of 1,614,056 alleles (0.00074%); highest among the groups gnomAD compares: Admixed American, 0.0033%; no homozygotes.

Submissions (3):

Labcorp Genetics (formerly Invitae), Labcorp
Classification: Uncertain significance. Last evaluated: 2025-11-27. Review status: criteria provided, single submitter. Criteria: Invitae Variant Classification Sherloc (09022015). Collection method: clinical testing. Allele origin: germline.
Comment: This sequence change replaces arginine, which is basic and polar, with cysteine, which is neutral and slightly polar, at codon 799 of the MYH3 protein (p.Arg799Cys). This variant is present in population databases (rs146342659, gnomAD 0.003%). This variant has not been reported in the literature in individuals affected with MYH3-related conditions. ClinVar contains an entry for this variant (Variation ID: 872648). Invitae Evidence Modeling of protein sequence and biophysical properties (such as structural, functional, and spatial information, amino acid conservation, physicochemical variation, residue mobility, and thermodynamic stability) has been performed for this missense variant. However, the output from this modeling did not meet the statistical confidence thresholds required to predict the impact of this variant on MYH3 protein function. In summary, the available evidence is currently insufficient to determine the role of this variant in disease. Therefore, it has been classified as a Variant of Uncertain Significance.

Women's Health and Genetics/Laboratory Corporation of America, LabCorp
Classification: Uncertain significance. Last evaluated: 2025-04-04. Review status: criteria provided, single submitter. Criteria: LabCorp Variant Classification Summary - May 2015. Collection method: clinical testing. Allele origin: germline.
Comment: Variant summary: MYH3 c.2395C>T (p.Arg799Cys) results in a non-conservative amino acid change in the encoded protein sequence. Five of five in-silico tools predict a damaging effect of the variant on protein function. The variant allele was found at a frequency of 8e-06 in 251486 control chromosomes. The available data on variant occurrences in the general population are insufficient to allow any conclusion about variant significance. To our knowledge, no occurrence of c.2395C>T in individuals affected with MYH3-Related Disorders and no experimental evidence demonstrating its impact on protein function have been reported. ClinVar contains an entry for this variant (Variation ID: 872648). Based on the evidence outlined above, the variant was classified as uncertain significance.

CeGaT Center for Human Genetics Tuebingen
Classification: Uncertain significance. Last evaluated: 2019-07-01. Review status: criteria provided, single submitter. Criteria: CeGaT Center For Human Genetics Tuebingen Variant Classification Criteria Version 2. Collection method: clinical testing. Allele origin: germline. Affected: yes. Observed: 1 variant allele.

NM_002470.4(MYH3):c.2395C>T (p.Arg799Cys)

Gene: MYH3 (myosin heavy chain 3; minus strand). Cytogenetic location: 17p13.1.
Variant type: single nucleotide variant.
Coding change: c.2395C>T on transcript NM_002470.4 (MANE Select); coding-DNA position 2395, C replaced by T.
Protein change: p.Arg799Cys; replaces arginine 799 with cysteine.
Molecular consequence: missense variant.
Genome position (GRCh38, 1-based): chr17:10,640,364, G>A on the plus strand (C>T on the coding strand, the complement: MYH3 is on the minus strand). VCF-style: chr17-10640364-G-A. GRCh37 (hg19) VCF-style: chr17-10543681-G-A.
Other names: short protein forms R799C.
Identifiers: ClinVar variation 872648 (VCV000872648.47), dbSNP rs146342659, ClinGen allele CA8392775.
Genomic context (GRCh38, chr17:10,640,364, plus strand): 5'-CTCATGTCTGAACAAAGACCCTGCTGGACCTCCTCTGCACCATCTTCTGGAATTCCACAC[G>A]CATGAGGAACCCTCTGCACACAGCTTGTGTCCGGGTGATTAGTTTGGCCAGGCGGTCATC-3'
Protein context (NP_002461.2, residues 789-809): TQAVCRGFLM[Arg799Cys]VEFQKMVQRR